The following is an entry in ClinVar:

ClinVar aggregate classification (germline): Uncertain significance (1 of 4 stars; one submission).

Conditions:
Perlman syndrome (PRLMNS). Identifiers: Orphanet 2849, MedGen C0796113, MONDO:0009965, OMIM 267000.

Submission:

Sema4
Classification: Uncertain significance for Perlman syndrome. Last evaluated: 2021-11-25. Review status: criteria provided, single submitter. Criteria: Sema4 Curation Guidelines. Collection method: curation. Allele origin: germline.
Comment: The DIS3L2 c.929A>C (p.E310A) variant has not been reported in the literature to our knowledge. It was not observed in the large and broad cohorts of the Genome Aggregation Database (PMID: 32461654). The variant has not been reported in ClinVar. In silico tools suggest the impact of the variant on protein function is benign, though these predictions have not been confirmed by functional studies. The evidence is insufficient to meet ACMG/AMP criteria for classifying the variant as benign or pathogenic. Thus, the clinical significance of this variant is currently uncertain.

NM_152383.5(DIS3L2):c.929A>C (p.Glu310Ala)

Gene: DIS3L2 (DIS3 like 3'-5' exoribonuclease 2; plus strand). Cytogenetic location: 2q37.1.
Variant type: single nucleotide variant.
Coding change: c.929A>C on transcript NM_152383.5 (MANE Select); coding-DNA position 929, A replaced by C.
Protein change: p.Glu310Ala; replaces glutamic acid 310 with alanine.
Molecular consequence: missense variant. On other transcripts: non-coding transcript variant (1).
Genome position (GRCh38, 1-based): chr2:232,136,698, A>C. VCF-style: chr2-232136698-A-C. GRCh37 (hg19) VCF-style: chr2-233001408-A-C.
Other names: c.929A>C, p.Glu310Ala (NM_001257281.2); short protein forms E310A.
Identifiers: ClinVar variation 1692075 (VCV001692075.1), dbSNP rs2106355637, ClinGen allele CA351153902.
Genomic context (GRCh38, chr2:232,136,698, plus strand): 5'-TGGCACGGCCTAAAGATTATGCCAACACACTGTTCATCTGCCGCATTGTGGACTGGAAGG[A>C]GGACTGCAATTTTGCCCTGGGGTAGGTGATCTCTGGTAGGAAAAACCACAGGTCACAGGC-3'
Protein context (NP_689596.4, residues 300-320): LFICRIVDWK[Glu310Ala]DCNFALGQLA